The following is an entry in ClinVar:

ClinVar aggregate classification (germline): Likely benign (1 of 4 stars; one submission).

gnomAD v4.1: 4,378 of 1,543,946 alleles (0.28%); highest among the groups gnomAD compares: Non-Finnish European, 0.34%; 324 homozygotes.

Submission:

CeGaT Center for Human Genetics Tuebingen
Classification: Likely benign. Last evaluated: 2024-09-01. Review status: criteria provided, single submitter. Criteria: CeGaT Center For Human Genetics Tuebingen Variant Classification Criteria Version 2. Collection method: clinical testing. Allele origin: germline. Affected: yes. Observed: 1 variant allele.
Comment: LIAT1: BP4, BP7, BS2

NM_001013672.5(LIAT1):c.771C>T (p.Pro257=)

Genes: LIAT1 (ligand of ATE1; plus strand), LOC105371430 (uncharacterized LOC105371430; minus strand). Cytogenetic location: 17p13.3.
Variant type: single nucleotide variant.
Coding change: c.771C>T on transcript NM_001013672.5 (MANE Select); coding-DNA position 771, C replaced by T.
Protein change: p.Pro257=; no amino-acid change (proline 257 retained).
Molecular consequence: synonymous variant.
Genome position (GRCh38, 1-based): chr17:413,614, C>T. VCF-style: chr17-413614-C-T. GRCh37 (hg19) VCF-style: chr17-263405-C-T.
Identifiers: ClinVar variation 3388125 (VCV003388125.14).